The following is an entry in ClinVar:

NM_001917.5(DAO):c.150_155del (p.Leu51_Trp52del)

Gene: DAO (D-amino acid oxidase; plus strand). Cytogenetic location: 12q24.11.
Variant type: Deletion.
Coding change: c.150_155del on transcript NM_001917.5 (MANE Select); coding-DNA positions 150 to 155, 6 bases deleted (CCTCTG; older notation c.150_155delCCTCTG).
Protein change: p.Leu51_Trp52del.
Genome position (GRCh38, 1-based): chr12:108,885,156-108,885,161, CCTCTG deleted; deleting any 6 consecutive bases within chr12:108,885,155-108,885,161 gives the same sequence; the c. name uses the placement nearest the transcript's 3' end. VCF-style (leftmost placement, unchanged base first): chr12-108885154-GGCCTCT-G. GRCh37 (hg19) VCF-style: chr12-109278930-GGCCTCT-G.
Other names: c.150_155del, p.Leu51_Trp52del (NM_001413634.1, NM_001413635.1).
Identifiers: ClinVar variation 3047478 (VCV003047478.2), dbSNP rs546485721, ClinGen allele CA6770972.

ClinVar aggregate classification (germline): Likely benign (0 of 4 stars; one submission).

Conditions:
DAO-related disorder. Also called: DAO-related condition.

Submission:

PreventionGenetics, part of Exact Sciences
Classification: Likely benign for DAO-related condition. Last evaluated: 2023-01-06. Review status: no assertion criteria provided. Collection method: clinical testing. Allele origin: germline.
Comment: This variant is classified as likely benign based on ACMG/AMP sequence variant interpretation guidelines (Richards et al. 2015 PMID: 25741868, with internal and published modifications).